The following is an entry in ClinVar:

ClinVar aggregate classification (germline): Pathogenic/Likely pathogenic. Review status: criteria provided, multiple submitters, no conflicts (2 of 4 stars). 2 submissions from 2 submitters: Pathogenic (1); Likely pathogenic (1). Last evaluated 2020-05-06.

Conditions:
Frontotemporal dementia and/or amyotrophic lateral sclerosis 4. Also called: FTDALS4. Identifiers: Orphanet 275872, MedGen C4225325, MONDO:0014641, OMIM 616439.

Submissions (2):

Labcorp Genetics (formerly Invitae), Labcorp
Classification: Pathogenic for Frontotemporal dementia and/or amyotrophic lateral sclerosis 4. Last evaluated: 2020-05-06. Review status: criteria provided, single submitter. Criteria: Invitae Variant Classification Sherloc (09022015). Collection method: clinical testing. Allele origin: germline.
Comment: This sequence change creates a premature translational stop signal (p.Ser645*) in the TBK1 gene. It is expected to result in an absent or disrupted protein product. This variant is not present in population databases (ExAC no frequency). This variant has not been reported in the literature in individuals with TBK1-related conditions. Loss-of-function variants in TBK1 are known to be pathogenic (PMID: 25803835, 26476236, 26581300). For these reasons, this variant has been classified as Pathogenic.

Clinical Genetics Service, Universitary Hospital 12 de Octubre
Classification: Likely pathogenic for Frontotemporal dementia and/or amyotrophic lateral sclerosis 4. Review status: criteria provided, single submitter. Criteria: ACMG Guidelines, 2015. Collection method: clinical testing. Allele origin: germline. Affected: yes.

Literature cited by the submitters: PubMed 25803835 (cited by Labcorp Genetics (formerly Invitae), Labcorp); PubMed 26476236 (cited by Labcorp Genetics (formerly Invitae), Labcorp); PubMed 26581300 (cited by Labcorp Genetics (formerly Invitae), Labcorp).

NM_013254.4(TBK1):c.1934C>G (p.Ser645Ter)

Gene: TBK1 (TANK binding kinase 1; plus strand). Cytogenetic location: 12q14.2.
Variant type: single nucleotide variant.
Coding change: c.1934C>G on transcript NM_013254.4 (MANE Select); coding-DNA position 1934, C replaced by G.
Protein change: p.Ser645Ter; replaces serine 645 with a stop codon.
Molecular consequence: nonsense.
Genome position (GRCh38, 1-based): chr12:64,497,234, C>G. VCF-style: chr12-64497234-C-G. GRCh37 (hg19) VCF-style: chr12-64891014-C-G.
Other names: short protein forms S645*.
Identifiers: ClinVar variation 1075012 (VCV001075012.3), dbSNP rs2136088420, ClinGen allele CA385606473.